The following is an entry in ClinVar:

ClinVar aggregate classification (germline): Uncertain significance. Review status: criteria provided, single submitter (1 of 4 stars). 2 submissions from 2 submitters: Uncertain significance (1). 1 of the submissions does not count toward it. Last evaluated 2024-04-15.

Conditions:
MPI-congenital disorder of glycosylation. Also called: MPI DEFICIENCY; CONGENITAL DISORDER OF GLYCOSYLATION, TYPE Ib; CDG Ib; MANNOSEPHOSPHATE ISOMERASE DEFICIENCY; MPI-CDG; PROTEIN-LOSING ENTEROPATHY-HEPATIC FIBROSIS SYNDROME. Identifiers: Orphanet 79319, MedGen C1865145, MONDO:0011257, OMIM 602579.

Allele frequency attached by ClinVar (database versions not stated): gnomAD 0.00001.
gnomAD v4.1: 7 of 1,614,148 alleles (0.00043%); highest among the groups gnomAD compares: African/African-American, 0.0027%; no homozygotes.

Submissions (2):

Labcorp Genetics (formerly Invitae), Labcorp
Classification: Uncertain significance for MPI-congenital disorder of glycosylation. Last evaluated: 2024-04-15. Review status: criteria provided, single submitter. Criteria: Invitae Variant Classification Sherloc (09022015). Collection method: clinical testing. Allele origin: germline.
Comment: This sequence change replaces isoleucine, which is neutral and non-polar, with threonine, which is neutral and polar, at codon 249 of the MPI protein (p.Ile249Thr). This variant is not present in population databases (gnomAD no frequency). This variant has not been reported in the literature in individuals affected with MPI-related conditions. ClinVar contains an entry for this variant (Variation ID: 1055141). Advanced modeling of protein sequence and biophysical properties (such as structural, functional, and spatial information, amino acid conservation, physicochemical variation, residue mobility, and thermodynamic stability) performed at Invitae indicates that this missense variant is not expected to disrupt MPI protein function with a negative predictive value of 80%. In summary, the available evidence is currently insufficient to determine the role of this variant in disease. Therefore, it has been classified as a Variant of Uncertain Significance.

Natera, Inc.
Classification: Uncertain significance for Congenital disorder of glycosylation type 1b. Last evaluated: 2020-12-30. Review status: no assertion criteria provided. Collection method: clinical testing. Allele origin: germline. Not counted in ClinVar's aggregate classification.

NM_002435.3(MPI):c.746T>C (p.Ile249Thr)

Gene: MPI (mannose phosphate isomerase; plus strand). Cytogenetic location: 15q24.1.
Variant type: single nucleotide variant.
Coding change: c.746T>C on transcript NM_002435.3 (MANE Select); coding-DNA position 746, T replaced by C.
Protein change: p.Ile249Thr; replaces isoleucine 249 with threonine.
Molecular consequence: missense variant.
Genome position (GRCh38, 1-based): chr15:74,896,227, T>C. VCF-style: chr15-74896227-T-C. GRCh37 (hg19) VCF-style: chr15-75188568-T-C.
Other names: c.746T>C, p.Ile249Thr (NM_001289155.2); c.596T>C, p.Ile199Thr (NM_001289156.2); c.563T>C, p.Ile188Thr (NM_001289157.2); c.686T>C, p.Ile229Thr (NM_001330372.2); short protein forms I188T, I199T, I229T, I249T.
Identifiers: ClinVar variation 1055141 (VCV001055141.12), dbSNP rs201676072, ClinGen allele CA393175921.